The following is an entry in ClinVar:

NC_000010.10:g.(?_55581618)_(55591313_?)del

Gene: PCDH15 (protocadherin related 15; minus strand). Cytogenetic location: 10q21.1.
Variant type: Deletion.
Identifiers: ClinVar variation 3245024 (VCV003245024.1).

ClinVar aggregate classification (germline): Pathogenic (1 of 4 stars; one submission).

Submission:

Labcorp Genetics (formerly Invitae), Labcorp
Classification: Pathogenic. Last evaluated: 2023-11-25. Review status: criteria provided, single submitter. Criteria: Invitae Variant Classification Sherloc (09022015). Collection method: clinical testing. Allele origin: unknown.
Comment: This variant is a gross deletion of the genomic region encompassing exon(s) 30-33 of the PCDH15 gene, which includes the termination codon. This deletion extends beyond the assayed region for this gene and therefore may encompass additional genes. While this deletion is not anticipated to lead to nonsense mediated decay, it is expected to alter mRNA translation or result in a truncated protein product. This variant has not been reported in the literature in individuals affected with PCDH15-related conditions. This variant disrupts a region of the PCDH15 protein in which other variant(s) (p.Q1576*) have been determined to be pathogenic (PMID: 28281779). This suggests that this is a clinically significant region of the protein, and that variants that disrupt it are likely to be disease-causing. For these reasons, this variant has been classified as Pathogenic.

Literature cited by the submitters: PubMed 28281779.